The following is an entry in ClinVar:

ClinVar aggregate classification (germline): Uncertain significance (1 of 4 stars; one submission).

Submission:

Labcorp Genetics (formerly Invitae), Labcorp
Classification: Uncertain significance. Last evaluated: 2025-10-02. Review status: criteria provided, single submitter. Criteria: Invitae Variant Classification Sherloc (09022015). Collection method: clinical testing. Allele origin: germline.
Comment: This sequence change replaces alanine, which is neutral and non-polar, with threonine, which is neutral and polar, at codon 114 of the PNPLA8 protein (p.Ala114Thr). This variant is not present in population databases (gnomAD no frequency). This variant has not been reported in the literature in individuals affected with PNPLA8-related conditions. ClinVar contains an entry for this variant (Variation ID: 2129290). An algorithm developed to predict the effect of missense changes on protein structure and function (PolyPhen-2) suggests that this variant is likely to be disruptive. In summary, the available evidence is currently insufficient to determine the role of this variant in disease. Therefore, it has been classified as a Variant of Uncertain Significance.

NM_001256007.3(PNPLA8):c.340G>A (p.Ala114Thr)

Gene: PNPLA8 (patatin like domain 8, phospholipase A2; minus strand). Cytogenetic location: 7q31.1.
Variant type: single nucleotide variant.
Coding change: c.340G>A on transcript NM_001256007.3 (MANE Select); coding-DNA position 340, G replaced by A.
Protein change: p.Ala114Thr; replaces alanine 114 with threonine.
Molecular consequence: missense variant.
Genome position (GRCh38, 1-based): chr7:108,515,152, C>T on the plus strand (G>A on the coding strand, the complement: PNPLA8 is on the minus strand). VCF-style: chr7-108515152-C-T. GRCh37 (hg19) VCF-style: chr7-108155596-C-T.
Other names: c.340G>A, p.Ala114Thr (NM_001256008.3, NM_001256009.3, NM_015723.5); c.40G>A, p.Ala14Thr (NM_001256010.3, NM_001256011.3); short protein forms A14T, A114T.
Identifiers: ClinVar variation 2129290 (VCV002129290.4), dbSNP rs2552117727, ClinGen allele CA368899065.